The following is an entry in ClinVar:

NM_000096.4(CP):c.1652C>T (p.Thr551Ile)

Gene: CP (ceruloplasmin; minus strand). Cytogenetic location: 3q24.
Variant type: single nucleotide variant.
Coding change: c.1652C>T on transcript NM_000096.4 (MANE Select); coding-DNA position 1652, C replaced by T.
Protein change: p.Thr551Ile; replaces threonine 551 with isoleucine.
Molecular consequence: missense variant. On other transcripts: non-coding transcript variant (1).
Genome position (GRCh38, 1-based): chr3:149,198,428, G>A on the plus strand (C>T on the coding strand, the complement: CP is on the minus strand). VCF-style: chr3-149198428-G-A. GRCh37 (hg19) VCF-style: chr3-148916215-G-A.
Other names: T531I; short protein forms T551I.
Identifiers: ClinVar variation 42125 (VCV000042125.35), dbSNP rs61733458, ClinGen allele CA152488.

ClinVar aggregate classification (germline): Benign/Likely benign. Review status: criteria provided, multiple submitters, no conflicts (2 of 4 stars). 15 submissions from 15 submitters: Benign (6); Likely benign (4). 5 of the submissions do not count toward it. Last evaluated 2026-02-02.

Conditions:
Deficiency of ferroxidase (ACEP). Also called: Deficiency of ceruloplasmin; Ceruloplasmin deficiency; Familial apoceruloplasmin deficiency; Hereditary ceruloplasmin deficiency; NEURODEGENERATION WITH BRAIN IRON ACCUMULATION 10; Aceruloplasminemia. Identifiers: Orphanet 48818, MedGen C0878682, MONDO:0011426, OMIM 604290, HP:0025498.

Allele frequency attached by ClinVar (database versions not stated): 1000 Genomes Project 0.02117; gnomAD 0.02154 and 0.02278; TOPMed 0.02036; 1000 Genomes Project 30x 0.02155; ESP Exome Variant Server 0.02238; gnomAD exomes 0.02847 and 0.03192; ExAC 0.02882.
gnomAD v4.1: 50,028 of 1,612,482 alleles (3.1%); highest among the groups gnomAD compares: South Asian, 6.4%; 978 homozygotes.

Submissions (15):

Labcorp Genetics (formerly Invitae), Labcorp
Classification: Benign for Deficiency of ferroxidase. Last evaluated: 2026-02-02. Review status: criteria provided, single submitter. Criteria: Invitae Variant Classification Sherloc (09022015). Collection method: clinical testing. Allele origin: germline.

Mayo Clinic Laboratories, Mayo Clinic
Classification: Benign. Last evaluated: 2023-04-03. Review status: criteria provided, single submitter. Criteria: ACMG Guidelines, 2015. Collection method: clinical testing. Allele origin: germline. Observed: 67 variant alleles.
Comment: BA1

Fulgent Genetics
Classification: Likely benign for Deficiency of ferroxidase. Last evaluated: 2021-11-12. Review status: criteria provided, single submitter. Criteria: ACMG Guidelines, 2015. Collection method: clinical testing. Allele origin: unknown.

Mendelics
Classification: Likely benign for Deficiency of ferroxidase. Last evaluated: 2019-05-28. Review status: criteria provided, single submitter. Criteria: Mendelics Assertion Criteria 2017. Collection method: clinical testing. Allele origin: unknown.

GeneDx
Classification: Benign. Last evaluated: 2018-07-09. Review status: criteria provided, single submitter. Criteria: GeneDx Variant Classification Process June 2021. Collection method: clinical testing. Allele origin: germline. Affected: yes.

Illumina Laboratory Services, Illumina
Classification: Benign for Deficiency of ferroxidase. Last evaluated: 2018-01-13. Review status: criteria provided, single submitter. Criteria: ICSL Variant Classification Criteria 13 December 2019. Collection method: clinical testing. Allele origin: germline.
Comment: This variant was observed in the ICSL laboratory as part of a predisposition screen in an ostensibly healthy population. It had not been previously curated by ICSL or reported in the Human Gene Mutation Database (HGMD: prior to June 1st, 2018), and was therefore a candidate for classification through an automated scoring system. Utilizing variant allele frequency, disease prevalence and penetrance estimates, and inheritance mode, an automated score was calculated to assess if this variant is too frequent to cause the disease. Based on the score and internal cut-off values, a variant classified as benign is not then subjected to further curation. The score for this variant resulted in a classification of benign for this disease.

GenePathDx, GenePath diagnostics
Classification: Likely benign for Aceruloplasminemia. Last evaluated: 2017-02-01. Review status: criteria provided, single submitter. Criteria: GenePathDx_Criteria_classificationV2. Collection method: clinical testing. Allele origin: germline. Inheritance: Autosomal recessive inheritance. Affected: yes. Observed: 1 variant allele.
Comment: Next generation DNA sequencing ofperipheral blood sample has revealed the presence of two homozygous variants in the CP gene. The c.1652C>T variant is being classified as a â€˜Variant of Unknown Significance, likely benignâ€™, while the c.1679G>T variant is being classified as a â€˜Variant of Unknown Significance, likely pathogenicâ€™ based on available evidence in the databases and in silico mutation prediction methods.

Eurofins Ntd Llc (ga)
Classification: Benign. Last evaluated: 2015-06-16. Review status: criteria provided, single submitter. Criteria: EGL Classification Definitions 2015. Collection method: clinical testing. Allele origin: germline. Observed: 1 variant allele, 1 heterozygote.

Genetic Services Laboratory, University of Chicago
Classification: Benign for AllHighlyPenetrant. Last evaluated: 2013-08-15. Review status: criteria provided, single submitter. Criteria: ACMG Guidelines, 2007. Collection method: clinical testing. Allele origin: germline. Inheritance: Autosomal recessive inheritance.

Breakthrough Genomics
Classification: Likely benign. Review status: criteria provided, single submitter. Criteria: ACMG Guidelines, 2015. Collection method: not provided. Allele origin: germline. Inheritance: Autosomal recessive inheritance. Affected: yes.

GeneReviews
Classification: Pathogenic for Aceruloplasminemia. Last evaluated: 2013-04-18. Review status: no assertion criteria provided. Collection method: curation. Allele origin: unknown. Not counted in ClinVar's aggregate classification.
ClinVar note: Converted during submission from pathologic to Pathogenic.

Clinical Genetics DNA and cytogenetics Diagnostics Lab, Erasmus MC, Erasmus Medical Center
Classification: Benign. Review status: no assertion criteria provided. Collection method: clinical testing. Allele origin: germline. Affected: yes. Study: VKGL Data-share Consensus. Not counted in ClinVar's aggregate classification.

Diagnostic Laboratory, Department of Genetics, University Medical Center Groningen
Classification: Benign for Deficiency of ferroxidase. Review status: no assertion criteria provided. Collection method: clinical testing. Allele origin: germline. Affected: yes. Study: VKGL Data-share Consensus. Not counted in ClinVar's aggregate classification.

Genome Diagnostics Laboratory, Amsterdam University Medical Center
Classification: Benign. Review status: no assertion criteria provided. Collection method: clinical testing. Allele origin: germline. Affected: yes. Study: VKGL Data-share Consensus. Not counted in ClinVar's aggregate classification.

Joint Genome Diagnostic Labs from Nijmegen and Maastricht, Radboudumc and MUMC+
Classification: Likely benign. Review status: no assertion criteria provided. Collection method: clinical testing. Allele origin: germline. Affected: yes. Study: VKGL Data-share Consensus. Not counted in ClinVar's aggregate classification.